The following is an entry in ClinVar:

NM_021870.3(FGG):c.1285G>T (p.Gly429Trp)

Gene: FGG (fibrinogen gamma chain; minus strand). Cytogenetic location: 4q32.1.
Variant type: single nucleotide variant.
Coding change: c.1285G>T on transcript NM_021870.3 (MANE Select); coding-DNA position 1285, G replaced by T.
Protein change: p.Gly429Trp; replaces glycine 429 with tryptophan.
Molecular consequence: missense variant.
Genome position (GRCh38, 1-based): chr4:154,604,911, C>A on the plus strand (G>T on the coding strand, the complement: FGG is on the minus strand). VCF-style: chr4-154604911-C-A. GRCh37 (hg19) VCF-style: chr4-155526063-C-A.
Other names: c.1285G>T, p.Gly429Trp (NM_000509.6); short protein forms G429W.
Identifiers: ClinVar variation 347826 (VCV000347826.9), dbSNP rs145938787, ClinGen allele CA3115462.

ClinVar aggregate classification (germline): Uncertain significance. Review status: criteria provided, multiple submitters, no conflicts (2 of 4 stars). 2 submissions from 2 submitters: Uncertain significance (2). Last evaluated 2025-09-28.

Conditions:
Congenital afibrinogenemia. Identifiers: Orphanet 335, Orphanet 98880, MedGen C2584774, MONDO:0008737, OMIM 202400.

Allele frequency attached by ClinVar (database versions not stated): gnomAD 0.00003; TOPMed 0.00005; ESP Exome Variant Server 0.00008.
gnomAD v4.1: 152 of 1,613,934 alleles (0.0094%); highest among the groups gnomAD compares: Non-Finnish European, 0.013%; no homozygotes.

Submissions (2):

Labcorp Genetics (formerly Invitae), Labcorp
Classification: Uncertain significance. Last evaluated: 2025-09-28. Review status: criteria provided, single submitter. Criteria: Invitae Variant Classification Sherloc (09022015). Collection method: clinical testing. Allele origin: germline.
Comment: This sequence change replaces glycine, which is neutral and non-polar, with tryptophan, which is neutral and slightly polar, at codon 429 of the FGG protein (p.Gly429Trp). This variant is present in population databases (rs145938787, gnomAD 0.008%). This variant has not been reported in the literature in individuals affected with FGG-related conditions. ClinVar contains an entry for this variant (Variation ID: 347826). An algorithm developed to predict the effect of missense changes on protein structure and function (PolyPhen-2) suggests that this variant is likely to be disruptive. In summary, the available evidence is currently insufficient to determine the role of this variant in disease. Therefore, it has been classified as a Variant of Uncertain Significance.

Illumina Laboratory Services, Illumina
Classification: Uncertain significance for Congenital afibrinogenemia. Last evaluated: 2018-01-13. Review status: criteria provided, single submitter. Criteria: ICSL Variant Classification Criteria 13 December 2019. Collection method: clinical testing. Allele origin: germline.